The following is an entry in ClinVar:

ClinVar aggregate classification (germline): Uncertain significance (1 of 4 stars; one submission).

Submission:

Labcorp Genetics (formerly Invitae), Labcorp
Classification: Uncertain significance. Last evaluated: 2025-08-11. Review status: criteria provided, single submitter. Criteria: Invitae Variant Classification Sherloc (09022015). Collection method: clinical testing. Allele origin: germline.
Comment: This sequence change replaces cysteine, which is neutral and slightly polar, with phenylalanine, which is neutral and non-polar, at codon 1344 of the USP9X protein (p.Cys1344Phe). This variant is not present in population databases (gnomAD no frequency). This variant has not been reported in the literature in individuals affected with USP9X-related conditions. ClinVar contains an entry for this variant (Variation ID: 1718605). An algorithm developed to predict the effect of missense changes on protein structure and function (PolyPhen-2) suggests that this variant is likely to be disruptive. In summary, the available evidence is currently insufficient to determine the role of this variant in disease. Therefore, it has been classified as a Variant of Uncertain Significance.

NM_001039591.3(USP9X):c.4031G>T (p.Cys1344Phe)

Gene: USP9X (ubiquitin specific peptidase 9 X-linked; plus strand). Cytogenetic location: Xp11.4.
Variant type: single nucleotide variant.
Coding change: c.4031G>T on transcript NM_001039591.3 (MANE Select); coding-DNA position 4031, G replaced by T.
Protein change: p.Cys1344Phe; replaces cysteine 1344 with phenylalanine.
Molecular consequence: missense variant.
Genome position (GRCh38, 1-based): chrX:41,196,304, G>T. VCF-style: chrX-41196304-G-T. GRCh37 (hg19) VCF-style: chrX-41055557-G-T.
Other names: c.4031G>T, p.Cys1344Phe (NM_001039590.3); c.4046G>T, p.Cys1349Phe (NM_001410748.1, NM_001410749.1); short protein forms C1344F, C1349F.
Identifiers: ClinVar variation 1718605 (VCV001718605.5), dbSNP rs2519305537, ClinGen allele CA412772208.
Genomic context (GRCh38, chrX:41,196,304, plus strand): 5'-ATTTCAGAACTGTTCGTCAGGTGGCACAGGAGCAGTTCTTTTTAATGTGCACCAGATGTT[G>T]CATGGGACACCGGCCTCTACTTTTCTTCATTACTCTACTCTTTACTGTTTTGGGGGTGAG-3'
Protein context (NP_001034680.2, residues 1334-1354): EQFFLMCTRC[Cys1344Phe]MGHRPLLFFI